The following is an entry in ClinVar:

NM_030632.3(ASXL3):c.1733C>T (p.Ser578Phe)

Gene: ASXL3 (ASXL transcriptional regulator 3; plus strand). Cytogenetic location: 18q12.1.
Variant type: single nucleotide variant.
Coding change: c.1733C>T on transcript NM_030632.3 (MANE Select); coding-DNA position 1733, C replaced by T.
Protein change: p.Ser578Phe; replaces serine 578 with phenylalanine.
Molecular consequence: missense variant.
Genome position (GRCh38, 1-based): chr18:33,739,137, C>T. VCF-style: chr18-33739137-C-T. GRCh37 (hg19) VCF-style: chr18-31319101-C-T.
Other names: short protein forms S578F.
Identifiers: ClinVar variation 975645 (VCV000975645.12), dbSNP rs199871043, ClinGen allele CA8933807.

ClinVar aggregate classification (germline): Likely benign. Review status: criteria provided, multiple submitters, no conflicts (2 of 4 stars). 6 submissions from 6 submitters: Likely benign (4). 2 of the submissions do not count toward it. Last evaluated 2026-02-01.

Conditions:
Intellectual disability. Also called: Intellectual developmental disorder; intellectual disabilities; Intellectual functioning disability. Identifiers: MedGen C3714756, MeSH D008607, MONDO:0001071, HP:0001249.
ASXL3-related disorder. Also called: ASXL3-related condition. Identifiers: MedGen CN381524.

Allele frequency attached by ClinVar (database versions not stated): gnomAD exomes 0.00005 and 0.00011; gnomAD 0.00008 and 0.00009; ExAC 0.00013; TOPMed 0.00013; ESP Exome Variant Server 0.00033.
gnomAD v4.1: 99 of 1,613,554 alleles (0.0061%); highest among the groups gnomAD compares: Middle Eastern, 0.082%; no homozygotes.

Submissions (6):

CeGaT Center for Human Genetics Tuebingen
Classification: Likely benign. Last evaluated: 2026-02-01. Review status: criteria provided, single submitter. Criteria: CeGaT Center For Human Genetics Tuebingen Variant Classification Criteria Version 2. Collection method: clinical testing. Allele origin: germline. Affected: yes. Observed: 1 variant allele.
Comment: ASXL3: BP4

Blueprint Genetics
Classification: Likely benign. Last evaluated: 2024-11-06. Review status: criteria provided, single submitter. Criteria: ACMG Guidelines, 2015. Collection method: clinical testing. Allele origin: germline.

GeneDx
Classification: Likely benign. Last evaluated: 2020-06-15. Review status: criteria provided, single submitter. Criteria: GeneDx Variant Classification Process June 2021. Collection method: clinical testing. Allele origin: germline. Affected: yes.
Comment: This variant is associated with the following publications: (PMID: 29593475)

Breakthrough Genomics
Classification: Likely benign. Review status: criteria provided, single submitter. Criteria: ACMG Guidelines, 2015. Collection method: not provided. Allele origin: germline. Inheritance: Autosomal dominant inheritance. Affected: yes.

PreventionGenetics, part of Exact Sciences
Classification: Likely benign for ASXL3-related condition. Last evaluated: 2022-07-22. Review status: no assertion criteria provided. Collection method: clinical testing. Allele origin: germline. Not counted in ClinVar's aggregate classification.
Comment: This variant is classified as likely benign based on ACMG/AMP sequence variant interpretation guidelines (Richards et al. 2015 PMID: 25741868, with internal and published modifications).

Centre de Biologie Pathologie Génétique, Centre Hospitalier Universitaire de Lille
Classification: Likely benign for Intellectual disability. Last evaluated: 2019-01-01. Review status: no assertion criteria provided. Collection method: clinical testing. Allele origin: inherited. Affected: yes. Not counted in ClinVar's aggregate classification.